The following is an entry in ClinVar:

ClinVar aggregate classification (germline): Uncertain significance (1 of 4 stars; one submission).

Conditions:
Inborn genetic diseases. Identifiers: MedGen C0950123, MeSH D030342.

Submission:

Ambry Genetics
Classification: Uncertain significance for Inborn genetic diseases. Last evaluated: 2025-08-22. Review status: criteria provided, single submitter. Criteria: Ambry Variant Classification Scheme 2023. Collection method: clinical testing. Allele origin: germline.
Comment: The p.L53P variant (also known as c.158T>C), located in coding exon 2 of the RTEL1 gene, results from a T to C substitution at nucleotide position 158. The leucine at codon 53 is replaced by proline, an amino acid with similar properties. This amino acid position is conserved. In addition, this alteration is predicted to be deleterious by in silico analysis. Based on the available evidence, the clinical significance of this variant remains unclear.

NM_001283009.2(RTEL1):c.158T>C (p.Leu53Pro)

Genes: RTEL1 (regulator of telomere elongation helicase 1; plus strand), RTEL1-TNFRSF6B (RTEL1-TNFRSF6B readthrough (NMD candidate); plus strand). Cytogenetic location: 20q13.33.
Variant type: single nucleotide variant.
Coding change: c.158T>C on transcript NM_001283009.2 (MANE Select); coding-DNA position 158, T replaced by C.
Protein change: p.Leu53Pro; replaces leucine 53 with proline.
Molecular consequence: missense variant. On other transcripts: non-coding transcript variant (1), 5 prime UTR variant (1).
Genome position (GRCh38, 1-based): chr20:63,661,353, T>C. VCF-style: chr20-63661353-T-C. GRCh37 (hg19) VCF-style: chr20-62292706-T-C.
Other names: c.-512T>C (NM_001283010.1); c.158T>C, p.Leu53Pro (NM_016434.4, NM_032957.5); short protein forms L53P.
Identifiers: ClinVar variation 4157688 (VCV004157688.1).